The following is an entry in ClinVar:

ClinVar aggregate classification (germline): Pathogenic. Review status: criteria provided, multiple submitters, no conflicts (2 of 4 stars). 9 submissions from 9 submitters: Pathogenic (5). 4 of the submissions do not count toward it. Last evaluated 2026-10-01.

Conditions:
Hereditary cancer-predisposing syndrome. Also called: Neoplastic Syndromes, Hereditary; Hereditary Cancer Syndrome; Tumor predisposition; Hereditary neoplastic syndrome. Identifiers: Orphanet 140162, MedGen C0027672, MeSH D009386, MONDO:0015356.
Hereditary breast ovarian cancer syndrome. Also called: Hereditary breast and ovarian cancer syndrome; Breast and ovarian cancer; BRCA1- and BRCA2-Associated Hereditary Breast and Ovarian Cancer; Hereditary breast and ovarian cancer; Hereditary breast and ovarian cancer syndrome (HBOC); Hereditary breast and/or ovarian cancer syndrome. Identifiers: Orphanet 145, MedGen C0677776, MeSH D061325, MONDO:0003582. Disease mechanism: loss of function.
Breast-ovarian cancer, familial, susceptibility to, 1 (BROVCA1). Also called: OVARIAN CANCER, SUSCEPTIBILITY TO; BRCA1 Hereditary Breast and Ovarian Cancer. Identifiers: Orphanet 145, MedGen C2676676, MONDO:0011450, OMIM 604370. Disease mechanism: loss of function.
Malignant tumor of breast. Also called: Malignant breast neoplasm; Cancer breast. Identifiers: MedGen C0006142, MONDO:0007254. Disease mechanism: loss of function.

Allele frequency attached by ClinVar (database versions not stated): gnomAD exomes below 0.00001.

Submissions (10):

St. Jude Molecular Pathology, St. Jude Children's Research Hospital
Classification: Pathogenic for Breast-ovarian cancer, familial, susceptibility to, 1. Last evaluated: 2026-10-01. Review status: criteria provided, single submitter. Criteria: St. Jude Assertion Criteria 2020. Collection method: clinical testing. Allele origin: germline.
Comment: The BRCA1 c.5407-1G>A intronic change results in a G to A substitution at the -1 position of intron 21 of the BRCA1 gene. This variant is predicted to result in aberrant splicing, likely resulting in an abnormal protein product. This variant is reported in a worldwide cohort of families with BRCA pathogenic variants (PMID: 29446198). This variant is absent in gnomAD v2.1.1. In summary, this variant meets criteria to be classified as pathogenic.

Quest Diagnostics Nichols Institute San Juan Capistrano
Classification: Pathogenic. Last evaluated: 2021-08-12. Review status: criteria provided, single submitter. Criteria: Quest Diagnostics criteria. Collection method: clinical testing. Allele origin: unknown.
Comment: This variant is located in a canonical splice-acceptor site and is predicted to interfere with normal BRCA1 mRNA splicing. The variant has been identified in a large, worldwide study of BRCA1/2 mutation positive families in the published literature (PMID: 29446198 (2018)). In addition, functional studies in the published literature demonstrate that this variant is damaging to BRCA1 protein function, however further studies are needed to determine the global effect of this variant on BRCA1-related cancers (PMID: 30209399 (2018)). Based on the available information, this variant is classified as pathogenic.

Ambry Genetics
Classification: Pathogenic for Hereditary cancer-predisposing syndrome. Last evaluated: 2021-01-25. Review status: criteria provided, single submitter. Criteria: Ambry Variant Classification Scheme 2023. Collection method: clinical testing. Allele origin: germline.
Comment: The c.5407-1G>A pathogenic mutation results from a G to A substitution one nucleotide upstream from coding exon 21 of the BRCA1 gene. This alteration occurs at the 3' terminus of the BRCA1 gene, is not expected to trigger nonsense-mediated mRNA decay, and only impacts the last 29 amino acids of the protein. The exact functional effect of this alteration is unknown; however, the impacted region is critical for protein function (Ambry internal data). This alteration was identified in a large, worldwide study of BRCA1/2 mutation positive families (Rebbeck TR et al. Hum. Mutat. 2018 05;39:593-620). One functional study found that this nucleotide substitution is non-functional in a high throughput genome editing haploid cell survival assay (Findlay GM et al. Nature. 2018 10;562:217-222). This variant was not reported in population-based cohorts in the Genome Aggregation Database (gnomAD). In silico splice site analysis predicts that this alteration will weaken the native splice acceptor site and will result in the creation or strengthening of a novel splice acceptor site. Based on the supporting evidence, this alteration is interpreted as a disease-causing mutation.

Labcorp Genetics (formerly Invitae), Labcorp
Classification: Pathogenic for Hereditary breast ovarian cancer syndrome. Last evaluated: 2020-03-18. Review status: criteria provided, single submitter. Criteria: Invitae Variant Classification Sherloc (09022015). Collection method: clinical testing. Allele origin: germline.
Comment: This sequence change affects an acceptor splice site in intron 21 of the BRCA1 gene. It is expected to disrupt RNA splicing and likely results in an absent or disrupted protein product. This variant is not present in population databases (ExAC no frequency). This variant has been reported in individuals in the Breast Cancer Information Core database (PMID: 10923033). ClinVar contains an entry for this variant (Variation ID: 125845). Experimental studies have shown that this variant disrupts mRNA splicing (PMID: 30209399). Donor and acceptor splice site variants typically lead to a loss of protein function (PMID: 16199547), and loss-of-function variants in BRCA1 are known to be pathogenic (PMID: 20104584). For these reasons, this variant has been classified as Pathogenic.

Consortium of Investigators of Modifiers of BRCA1/2 (CIMBA), c/o University of Cambridge
Classification: Pathogenic for Breast-ovarian cancer, familial, susceptibility to, 1. Last evaluated: 2015-10-02. Review status: criteria provided, single submitter. Criteria: CIMBA Mutation Classification guidelines May 2016. Collection method: clinical testing. Allele origin: germline.

BRCAlab, Lund University
Classification: Pathogenic for Breast-ovarian cancer, familial, susceptibility to, 1. Last evaluated: 2020-03-02. Review status: no assertion criteria provided. Collection method: clinical testing. Allele origin: germline. Affected: yes. Not counted in ClinVar's aggregate classification.

Research Molecular Genetics Laboratory, Women's College Hospital, University of Toronto
Classification: Pathogenic for Hereditary breast ovarian cancer syndrome. Last evaluated: 2014-01-31. Review status: no assertion criteria provided. Collection method: research. Allele origin: germline. Affected: yes. Study: The Canadian Open Genetics Repository (COGR). Not counted in ClinVar's aggregate classification.

Breast Cancer Information Core (BIC) (BRCA1)
Classification: Pathogenic for Breast-ovarian cancer, familial 1. Review status: no assertion criteria provided. Collection method: clinical testing. Allele origin: germline. Affected: yes. Observed: 1 variant allele. Not counted in ClinVar's aggregate classification.

Brotman Baty Institute, University of Washington
No classification provided (evidence only). Condition: Breast-ovarian cancer, familial 1. Review status: no classification provided. Collection method: in vitro. Allele origin: not applicable. Functional consequence: functionally_abnormal. Not counted in ClinVar's aggregate classification.
ClinVar note: "not provided" was previously submitted as the classification for the variant. However, the classification appeared to be based only on an observation of functional data so it was converted to no classification on 2025-07-30.

Department of Pathology and Laboratory Medicine, Sinai Health System
Classification: Pathogenic for Malignant tumor of breast. Review status: no assertion criteria provided. Collection method: clinical testing. Allele origin: unknown. Affected: yes. Study: The Canadian Open Genetics Repository (COGR). Not counted in ClinVar's aggregate classification.
Comment: The c.5407-1G>A variant was not identified in the literature nor was it identified in NHLBI Exome Sequencing Project (Exome Variant Server), Exome Aggregation Consortium (ExAC), HGMD, Fanconi Anemia Mutation Database (LOVD), COSMIC, ARUP Laboratories BRCA Mutations Database, GeneInsight COGR, or UMD. The variant was identified in dbSNP (ID: rs80358029) â€šÃ„ÃºWith Pathogenic alleleâ€šÃ„Ã¹, BIC (1X with clinical importance, pending classification), Clinvitae database (classification pathogenic), and the ClinVar database (classification pathogenic, no assertion criteria provided by BIC). The c.5407-1G>A variant is predicted to cause abnormal splicing because the nucleotide substitution occurs in the invariant region of the splice consensus sequence. In addition, 4 of 5 in silico or computational prediction software programs (SpliceSiteFinder, MaxEntScan, NNSPLICE, GeneSplicer, HumanSpliceFinder) predict a greater than 10% difference in splicing. In summary, based on the above information, this variant meets our laboratoryâ€šÃ„Ã´s criteria to be classified as pathogenic.

Literature cited by the submitters: PubMed 30209399 (cited by 3 submitters); PubMed 29446198 (cited by Quest Diagnostics Nichols Institute San Juan Capistrano and Ambry Genetics); PubMed 10923033 (cited by Labcorp Genetics (formerly Invitae), Labcorp); PubMed 16199547 (cited by Labcorp Genetics (formerly Invitae), Labcorp); PubMed 20104584 (cited by Labcorp Genetics (formerly Invitae), Labcorp).

NM_007294.4(BRCA1):c.5407-1G>A

Gene: BRCA1 (BRCA1 DNA repair associated; minus strand). Cytogenetic location: 17q21.31.
Variant type: single nucleotide variant.
Coding change: c.5407-1G>A on transcript NM_007294.4 (MANE Select); the canonical splice acceptor site of the intron before coding-DNA position 5407, G replaced by A.
Molecular consequence: splice acceptor variant.
Genome position (GRCh38, 1-based): chr17:43,047,704, C>T on the plus strand (G>A on the coding strand, the complement: BRCA1 is on the minus strand). VCF-style: chr17-43047704-C-T. GRCh37 (hg19) VCF-style: chr17-41199721-C-T.
Other names: IVS22-1G>A; c.1954-1G>A (NM_001408458.1, NM_001408461.1, NM_001408464.1 and 7 more transcripts); c.4516-1G>A (NM_001407967.1); c.5026-1G>A (NM_001407959.1); c.5140-1G>A (NM_001407931.1, NM_001407932.1, NM_001407928.1 and 4 more transcripts); c.5263-1G>A (NM_001407747.1, NM_001407745.1, NM_001407737.1 and 18 more transcripts); c.5023-1G>A (NM_001407962.1, NM_001407960.1); c.1594-1G>A (NM_001408512.1); and 84 more.
Identifiers: ClinVar variation 125845 (VCV000125845.21), dbSNP rs80358029, ClinGen allele CA003569.
Genomic context (GRCh38, chr17:43,047,704, plus strand): 5'-ATGGAAGCCATTGTCCTCTGTCCAGGCATCTGGCTGCACAACCACAATTGGGTGGACACC[C>T]TGGATCCCCAGGAAGGAAAGAGCATTCAAAGTGTCAAAGTAGGACTACTGGAACTGTCAC-3'